The following is an entry in ClinVar:

ClinVar aggregate classification (germline): Uncertain significance (1 of 4 stars; one submission).

Submission:

Labcorp Genetics (formerly Invitae), Labcorp
Classification: Uncertain significance. Last evaluated: 2024-02-02. Review status: criteria provided, single submitter. Criteria: Invitae Variant Classification Sherloc (09022015). Collection method: clinical testing. Allele origin: germline.
Comment: This sequence change replaces valine, which is neutral and non-polar, with methionine, which is neutral and non-polar, at codon 464 of the MAGEL2 protein (p.Val464Met). This variant is not present in population databases (gnomAD no frequency). This variant has not been reported in the literature in individuals affected with MAGEL2-related conditions. Experimental studies and prediction algorithms are not available or were not evaluated, and the functional significance of this variant is currently unknown. In summary, the available evidence is currently insufficient to determine the role of this variant in disease. Therefore, it has been classified as a Variant of Uncertain Significance.

NM_019066.5(MAGEL2):c.1390G>A (p.Val464Met)

Gene: MAGEL2 (MAGE family member L2; minus strand). Cytogenetic location: 15q11.2.
Variant type: single nucleotide variant.
Coding change: c.1390G>A on transcript NM_019066.5 (MANE Select); coding-DNA position 1390, G replaced by A.
Protein change: p.Val464Met; replaces valine 464 with methionine.
Molecular consequence: missense variant.
Genome position (GRCh38, 1-based): chr15:23,646,353, C>T on the plus strand (G>A on the coding strand, the complement: MAGEL2 is on the minus strand). VCF-style: chr15-23646353-C-T. GRCh37 (hg19) VCF-style: chr15-23891500-C-T.
Other names: short protein forms V464M.
Identifiers: ClinVar variation 3687792 (VCV003687792.2).